The following is an entry in ClinVar:

NM_001256071.3(RNF213):c.10185-5_10185-2del

Gene: RNF213 (ring finger protein 213; plus strand). Cytogenetic location: 17q25.3.
Variant type: Deletion.
Coding change: c.10185-5_10185-2del on transcript NM_001256071.3 (MANE Select); 5 bases into the intron before coding-DNA position 10185 through the canonical splice acceptor site of the intron before coding-DNA position 10185, 4 bases deleted (AATA; older notation c.10185-5_10185-2delAATA).
Molecular consequence: splice acceptor variant.
Genome position (GRCh38, 1-based): chr17:80,351,680-80,351,683, AATA deleted; deleting any 4 consecutive bases within chr17:80,351,678-80,351,683 gives the same sequence; the c. name uses the placement nearest the transcript's 3' end. VCF-style (leftmost placement, unchanged base first): chr17-80351677-TTAAA-T. GRCh37 (hg19) VCF-style: chr17-78325477-TTAAA-T.
Other names: c.10332-5_10332-2del (NM_020914.5, NM_001410195.1).
Identifiers: ClinVar variation 3054166 (VCV003054166.2), dbSNP rs1381177917, ClinGen allele CA502195811.

ClinVar aggregate classification (germline): Likely benign (0 of 4 stars; one submission).

Conditions:
RNF213-related disorder. Also called: RNF213-related condition.

Submission:

PreventionGenetics, part of Exact Sciences
Classification: Likely benign for RNF213-related condition. Last evaluated: 2020-04-14. Review status: no assertion criteria provided. Collection method: clinical testing. Allele origin: germline.
Comment: This variant is classified as likely benign based on ACMG/AMP sequence variant interpretation guidelines (Richards et al. 2015 PMID: 25741868, with internal and published modifications).